The following is an entry in ClinVar:

NM_001291303.3(FAT4):c.13012G>A (p.Gly4338Ser)

Gene: FAT4 (FAT atypical cadherin 4; plus strand). Cytogenetic location: 4q28.1.
Variant type: single nucleotide variant.
Coding change: c.13012G>A on transcript NM_001291303.3 (MANE Select); coding-DNA position 13012, G replaced by A.
Protein change: p.Gly4338Ser; replaces glycine 4338 with serine.
Molecular consequence: missense variant.
Genome position (GRCh38, 1-based): chr4:125,487,534, G>A. VCF-style: chr4-125487534-G-A. GRCh37 (hg19) VCF-style: chr4-126408689-G-A.
Other names: c.13012G>A, p.Gly4338Ser (NM_001291285.3); c.13006G>A, p.Gly4336Ser (NM_024582.6); c.13006G>A (NM_024582.5); short protein forms G4338S, G4336S.
Identifiers: ClinVar variation 2992487 (VCV002992487.2), dbSNP rs143670711, ClinGen allele CA3074239.

ClinVar aggregate classification (germline): Uncertain significance. Review status: criteria provided, multiple submitters, no conflicts (2 of 4 stars). 2 submissions from 2 submitters: Uncertain significance (2). Last evaluated 2024-01-02.

Conditions:
Van Maldergem syndrome 2 (VMLDS2). Identifiers: Orphanet 314679, MedGen C3809875, MONDO:0014242, OMIM 615546.
Hennekam lymphangiectasia-lymphedema syndrome 2 (HKLLS2). Identifiers: Orphanet 2136, MedGen C4014939, MONDO:0014454, OMIM 616006.

Allele frequency attached by ClinVar (database versions not stated): ExAC 0.00002; gnomAD 0.00003; TOPMed 0.00004; ESP Exome Variant Server 0.00008; 1000 Genomes Project 30x 0.00016; 1000 Genomes Project 0.00020.
gnomAD v4.1: 20 of 1,613,758 alleles (0.0012%); highest among the groups gnomAD compares: African/African-American, 0.011%; no homozygotes.

Submissions (2):

Fulgent Genetics
Classification: Uncertain significance for Van Maldergem syndrome 2; Hennekam lymphangiectasia-lymphedema syndrome 2. Last evaluated: 2024-01-02. Review status: criteria provided, single submitter. Criteria: ACMG Guidelines, 2015. Collection method: clinical testing. Allele origin: germline.

Labcorp Genetics (formerly Invitae), Labcorp
Classification: Uncertain significance. Last evaluated: 2023-07-28. Review status: criteria provided, single submitter. Criteria: Invitae Variant Classification Sherloc (09022015). Collection method: clinical testing. Allele origin: germline.
Comment: In summary, the available evidence is currently insufficient to determine the role of this variant in disease. Therefore, it has been classified as a Variant of Uncertain Significance. Advanced modeling of protein sequence and biophysical properties (such as structural, functional, and spatial information, amino acid conservation, physicochemical variation, residue mobility, and thermodynamic stability) performed at Invitae indicates that this missense variant is not expected to disrupt FAT4 protein function. This variant has not been reported in the literature in individuals affected with FAT4-related conditions. This variant is present in population databases (rs143670711, gnomAD 0.01%). This sequence change replaces glycine, which is neutral and non-polar, with serine, which is neutral and polar, at codon 4336 of the FAT4 protein (p.Gly4336Ser).